The following is an entry in ClinVar:

NM_000222.3(KIT):c.2827A>C (p.Ser943Arg)

Gene: KIT (KIT proto-oncogene, receptor tyrosine kinase; plus strand). Cytogenetic location: 4q12.
Variant type: single nucleotide variant.
Coding change: c.2827A>C on transcript NM_000222.3 (MANE Select); coding-DNA position 2827, A replaced by C.
Protein change: p.Ser943Arg; replaces serine 943 with arginine.
Molecular consequence: missense variant.
Genome position (GRCh38, 1-based): chr4:54,738,453, A>C. VCF-style: chr4-54738453-A-C. GRCh37 (hg19) VCF-style: chr4-55604619-A-C.
Other names: c.2815A>C, p.Ser939Arg (NM_001093772.2, NM_001385292.1); c.2830A>C, p.Ser944Arg (NM_001385284.1); c.2824A>C, p.Ser942Arg (NM_001385285.1); c.2812A>C, p.Ser938Arg (NM_001385286.1); c.2818A>C, p.Ser940Arg (NM_001385288.1); c.2827A>C, p.Ser943Arg (NM_001385290.1); short protein forms S939R, S943R, S938R, S940R, S942R, S944R.
Identifiers: ClinVar variation 839694 (VCV000839694.9), dbSNP rs756463331, ClinGen allele CA2923876.

ClinVar aggregate classification (germline): Uncertain significance. Review status: criteria provided, multiple submitters, no conflicts (2 of 4 stars). 2 submissions from 2 submitters: Uncertain significance (2). Last evaluated 2024-08-04.

Conditions:
Gastrointestinal stromal tumor. Also called: Gastrointestinal stromal tumor, somatic; Gastrointestinal stroma tumor. Identifiers: Orphanet 44890, MedGen C0238198, MeSH D046152, MONDO:0011719, OMIM 606764, HP:0100723.

Allele frequency attached by ClinVar (database versions not stated): TOPMed 0.00001.
gnomAD v4.1: 8 of 1,614,100 alleles (0.0005%); highest among the groups gnomAD compares: Non-Finnish European, 0.00059%; no homozygotes.

Submissions (2):

Labcorp Genetics (formerly Invitae), Labcorp
Classification: Uncertain significance for Gastrointestinal stromal tumor. Last evaluated: 2024-08-04. Review status: criteria provided, single submitter. Criteria: Invitae Variant Classification Sherloc (09022015). Collection method: clinical testing. Allele origin: germline.
Comment: This sequence change replaces serine, which is neutral and polar, with arginine, which is basic and polar, at codon 943 of the KIT protein (p.Ser943Arg). This variant is not present in population databases (gnomAD no frequency). This variant has not been reported in the literature in individuals affected with KIT-related conditions. ClinVar contains an entry for this variant (Variation ID: 839694). An algorithm developed to predict the effect of missense changes on protein structure and function (PolyPhen-2) suggests that this variant is likely to be tolerated. In summary, the available evidence is currently insufficient to determine the role of this variant in disease. Therefore, it has been classified as a Variant of Uncertain Significance.

GeneDx
Classification: Uncertain significance. Last evaluated: 2024-01-17. Review status: criteria provided, single submitter. Criteria: GeneDx Variant Classification Process June 2021. Collection method: clinical testing. Allele origin: germline. Affected: yes.
Comment: Not observed at significant frequency in large population cohorts (gnomAD); In silico analysis supports that this missense variant does not alter protein structure/function; Has not been previously published as pathogenic or benign to our knowledge